The following is an entry in ClinVar:

NM_024675.4(PALB2):c.2749-5T>C

Gene: PALB2 (partner and localizer of BRCA2; minus strand). Cytogenetic location: 16p12.2.
Variant type: single nucleotide variant.
Coding change: c.2749-5T>C on transcript NM_024675.4 (MANE Select); 5 bases into the intron before coding-DNA position 2749, T replaced by C.
Molecular consequence: intron variant.
Genome position (GRCh38, 1-based): chr16:23,624,099, A>G on the plus strand (T>C on the coding strand, the complement: PALB2 is on the minus strand). VCF-style: chr16-23624099-A-G. GRCh37 (hg19) VCF-style: chr16-23635420-A-G.
Identifiers: ClinVar variation 933164 (VCV000933164.2), dbSNP rs1966828330, ClinGen allele CA494181324.

ClinVar aggregate classification (germline): Conflicting classifications of pathogenicity. Review status: criteria provided, conflicting classifications (1 of 4 stars). 2 submissions from 2 submitters: Uncertain significance (1); Likely benign (1). Last evaluated 2025-01-17.

Conditions:
Familial cancer of breast. Also called: Hereditary breast cancer; hereditary breast carcinoma; BREAST CANCER, FAMILIAL. Identifiers: Orphanet 227535, MedGen C0346153, MONDO:0016419, OMIM 114480. Disease mechanism: loss of function.

Submissions (2):

Myriad Genetics, Inc.
Classification: Likely benign for Familial cancer of breast. Last evaluated: 2025-01-17. Review status: criteria provided, single submitter. Criteria: Myriad Autosomal Dominant, Autosomal Recessive and X-Linked Classification Criteria (2023). Collection method: clinical testing. Allele origin: unknown.
Comment: This variant is considered likely benign. This variant is intronic and is not expected to impact mRNA splicing.

Women's Health and Genetics/Laboratory Corporation of America, LabCorp
Classification: Uncertain significance. Last evaluated: 2020-06-29. Review status: criteria provided, single submitter. Criteria: LabCorp Variant Classification Summary - May 2015. Collection method: clinical testing. Allele origin: germline.
Comment: Variant summary: PALB2 c.2749-5T>C alters a non-conserved nucleotide located close to a canonical splice site and therefore could affect mRNA splicing, leading to a significantly altered protein sequence. 4/4 computational tools predict no significant impact on normal splicing. However, these predictions have yet to be confirmed by functional studies. The variant was absent in 249302 control chromosomes. The available data on variant occurrences in the general population are insufficient to allow any conclusion about variant significance. To our knowledge, no occurrence of c.2749-5T>C in individuals affected with Hereditary Breast And Ovarian Cancer Syndrome and no experimental evidence demonstrating its impact on protein function have been reported. No clinical diagnostic laboratories have submitted clinical-significance assessments for this variant to ClinVar after 2014. Based on the evidence outlined above, the variant was classified as uncertain significance.